The following is an entry in ClinVar:

NM_002226.5(JAG2):c.2253G>A (p.Lys751=)

Gene: JAG2 (jagged canonical Notch ligand 2; minus strand). Cytogenetic location: 14q32.33.
Variant type: single nucleotide variant.
Coding change: c.2253G>A on transcript NM_002226.5 (MANE Select); coding-DNA position 2253, G replaced by A.
Protein change: p.Lys751=; no amino-acid change (lysine 751 retained).
Molecular consequence: synonymous variant.
Genome position (GRCh38, 1-based): chr14:105,147,884, C>T on the plus strand (G>A on the coding strand, the complement: JAG2 is on the minus strand). VCF-style: chr14-105147884-C-T. GRCh37 (hg19) VCF-style: chr14-105614221-C-T.
Other names: c.2139G>A, p.Lys713= (NM_145159.3).
Identifiers: ClinVar variation 2644902 (VCV002644902.24), dbSNP rs779661965, ClinGen allele CA7385663.

ClinVar aggregate classification (germline): Likely benign (1 of 4 stars; one submission).

Allele frequency attached by ClinVar (database versions not stated): gnomAD exomes 0.00001; TOPMed 0.00001.
gnomAD v4.1: 16 of 1,551,644 alleles (0.001%); highest among the groups gnomAD compares: Middle Eastern, 0.022%; no homozygotes.

Submission:

CeGaT Center for Human Genetics Tuebingen
Classification: Likely benign. Last evaluated: 2022-05-01. Review status: criteria provided, single submitter. Criteria: CeGaT Center For Human Genetics Tuebingen Variant Classification Criteria Version 2. Collection method: clinical testing. Allele origin: germline. Affected: yes. Observed: 1 variant allele.
Comment: JAG2: BP4, BP7